The following is an entry in ClinVar:

NM_002715.4(PPP2CA):c.668A>T (p.Asp223Val)

Gene: PPP2CA (protein phosphatase 2 catalytic subunit alpha; minus strand). Cytogenetic location: 5q31.1.
Variant type: single nucleotide variant.
Coding change: c.668A>T on transcript NM_002715.4 (MANE Select); coding-DNA position 668, A replaced by T.
Protein change: p.Asp223Val; replaces aspartic acid 223 with valine.
Molecular consequence: missense variant. On other transcripts: non-coding transcript variant (1).
Genome position (GRCh38, 1-based): chr5:134,200,405, T>A on the plus strand (A>T on the coding strand, the complement: PPP2CA is on the minus strand). VCF-style: chr5-134200405-T-A. GRCh37 (hg19) VCF-style: chr5-133536096-T-A.
Other names: c.473A>T, p.Asp158Val (NM_001355019.2); short protein forms D158V, D223V.
Identifiers: ClinVar variation 692146 (VCV000692146.1), dbSNP rs1580636665, ClinGen allele CA360999077.
Genomic context (GRCh38, chr5:134,200,405, plus strand): 5'-AGCTGGTGAGCTCTAGACACCAACGTGAGGCCATTGGCATGATTAAATGTCTCAGAAATA[T>A]CTTGCCCAAAGGTGTAACCAGCTCCTCGAGGAGATATACCCCAACCACCACGGTCATCTG-3'
Protein context (NP_002706.1, residues 213-233): PRGAGYTFGQ[Asp223Val]ISETFNHANG

ClinVar aggregate classification (germline): Likely pathogenic (1 of 4 stars; one submission).

Conditions:
Houge-Janssens syndrome 3. Also called: NEURODEVELOPMENTAL DISORDER AND LANGUAGE DELAY WITH OR WITHOUT STRUCTURAL BRAIN ABNORMALITIES. Identifiers: MedGen C5193048, MONDO:0032697, OMIM 618354.

Submission:

SIB Swiss Institute of Bioinformatics
Classification: Likely pathogenic for Houge-Janssens syndrome 3. Last evaluated: 2019-07-15. Review status: criteria provided, single submitter. Criteria: ACMG Guidelines, 2015. Collection method: curation. Allele origin: unknown.
Comment: This variant is interpreted as a Likely pathogenic for Neurodevelopmental disorder and language delay with or without structural brain abnormalities, autosomal dominant. The following ACMG Tag(s) were applied: PM2, PM6, PP3, PM5.

Literature cited by the submitters: PubMed 30595372.